The following is an entry in ClinVar:

NM_000263.4(NAGLU):c.707T>C (p.Phe236Ser)

Gene: NAGLU (N-acetyl-alpha-glucosaminidase; plus strand). Cytogenetic location: 17q21.2.
Variant type: single nucleotide variant.
Coding change: c.707T>C on transcript NM_000263.4 (MANE Select); coding-DNA position 707, T replaced by C.
Protein change: p.Phe236Ser; replaces phenylalanine 236 with serine.
Molecular consequence: missense variant.
Genome position (GRCh38, 1-based): chr17:42,538,698, T>C. VCF-style: chr17-42538698-T-C. GRCh37 (hg19) VCF-style: chr17-40690716-T-C.
Other names: short protein forms F236S.
Identifiers: ClinVar variation 2102081 (VCV002102081.4), dbSNP rs2510653825, ClinGen allele CA399598941.

ClinVar aggregate classification (germline): Uncertain significance (1 of 4 stars; one submission).

Conditions:
Charcot-Marie-Tooth disease axonal type 2V. Also called: CHARCOT-MARIE-TOOTH NEUROPATHY, TYPE 2V; CHARCOT-MARIE-TOOTH DISEASE, AXONAL, AUTOSOMAL DOMINANT, TYPE 2V. Identifiers: Orphanet 447964, MedGen C5569050, MONDO:0014665, OMIM 616491.
Mucopolysaccharidosis, MPS-III-B (MPS3B). Also called: N-ACETYL-ALPHA-D-GLUCOSAMINIDASE DEFICIENCY; NAGLU DEFICIENCY; SANFILIPPO SYNDROME B; MPS III B; MUCOPOLYSACCHARIDOSIS, TYPE IIIB; MPS IIIB (Sanfilippo Syndrome Type B). Identifiers: Orphanet 79270, MedGen C0086648, MONDO:0009656, OMIM 252920.

Submission:

Labcorp Genetics (formerly Invitae), Labcorp
Classification: Uncertain significance for Charcot-Marie-Tooth disease axonal type 2V; Mucopolysaccharidosis, MPS-III-B. Last evaluated: 2022-02-22. Review status: criteria provided, single submitter. Criteria: Invitae Variant Classification Sherloc (09022015). Collection method: clinical testing. Allele origin: germline.
Comment: This sequence change replaces phenylalanine, which is neutral and non-polar, with serine, which is neutral and polar, at codon 236 of the NAGLU protein (p.Phe236Ser). This variant is not present in population databases (gnomAD no frequency). This variant has not been reported in the literature in individuals affected with NAGLU-related conditions. Advanced modeling of protein sequence and biophysical properties (such as structural, functional, and spatial information, amino acid conservation, physicochemical variation, residue mobility, and thermodynamic stability) performed at Invitae indicates that this missense variant is expected to disrupt NAGLU protein function. In summary, the available evidence is currently insufficient to determine the role of this variant in disease. Therefore, it has been classified as a Variant of Uncertain Significance.